The following is an entry in ClinVar:

ClinVar aggregate classification (germline): Conflicting classifications of pathogenicity. Review status: criteria provided, conflicting classifications (1 of 4 stars). 6 submissions from 6 submitters: Uncertain significance (1); Likely benign (5). Last evaluated 2026-02-02.

Conditions:
Wilson disease (WND). Also called: Wilson's disease. Identifiers: Orphanet 905, MedGen C0019202, MONDO:0010200, OMIM 277900. Disease mechanism: loss of function.

Allele frequency attached by ClinVar (database versions not stated): 1000 Genomes Project 0.00020; 1000 Genomes Project 30x 0.00031; gnomAD 0.00060 and 0.00062; TOPMed 0.00073; ExAC 0.00077; gnomAD exomes 0.00084 and 0.00108; ESP Exome Variant Server 0.00089.
gnomAD v4.1: 1,655 of 1,614,134 alleles (0.1%); highest among the groups gnomAD compares: Non-Finnish European, 0.12%; 1 homozygote.

Submissions (6):

Labcorp Genetics (formerly Invitae), Labcorp
Classification: Likely benign for Wilson disease. Last evaluated: 2026-02-02. Review status: criteria provided, single submitter. Criteria: Invitae Variant Classification Sherloc (09022015). Collection method: clinical testing. Allele origin: germline.

Women's Health and Genetics/Laboratory Corporation of America, LabCorp
Classification: Likely benign. Last evaluated: 2024-12-16. Review status: criteria provided, single submitter. Criteria: LabCorp Variant Classification Summary - May 2015. Collection method: clinical testing. Allele origin: germline.
Comment: Variant summary: ATP7B c.1543+13C>T alters a non-conserved nucleotide located at a position not widely known to affect splicing. Consensus agreement among computation tools predict no significant impact on normal splicing (TrAP). However, these predictions have yet to be confirmed by functional studies. The variant allele was found at a frequency of 0.00084 in 248120 control chromosomes in the gnomAD database, including 1 homozygotes. This frequency is not significantly higher than estimated for a pathogenic variant in ATP7B causing Wilson Disease (0.00084 vs 0.0054), allowing no conclusion about variant significance. c.1543+13C>T has been reported in the literature in individuals affected with Wilson Disease without strong evidence for causality (Coffey_2013). These report(s) do not provide unequivocal conclusions about association of the variant with Wilson Disease. To our knowledge, no experimental evidence demonstrating an impact on protein function has been reported. ClinVar contains an entry for this variant (Variation ID: 312390). Based on the evidence outlined above, the variant was classified as likely benign.

Blueprint Genetics
Classification: Likely benign. Last evaluated: 2024-11-27. Review status: criteria provided, single submitter. Criteria: ACMG Guidelines, 2015. Collection method: clinical testing. Allele origin: germline.

Illumina Laboratory Services, Illumina
Classification: Uncertain significance for Wilson disease. Last evaluated: 2018-01-12. Review status: criteria provided, single submitter. Criteria: ICSL Variant Classification Criteria 13 December 2019. Collection method: clinical testing. Allele origin: germline.

GeneDx
Classification: Likely benign. Last evaluated: 2017-11-13. Review status: criteria provided, single submitter. Criteria: GeneDx Variant Classification (06012015). Collection method: clinical testing. Allele origin: germline. Affected: yes.
Comment: This variant is considered likely benign or benign based on one or more of the following criteria: it is a conservative change, it occurs at a poorly conserved position in the protein, it is predicted to be benign by multiple in silico algorithms, and/or has population frequency not consistent with disease.

CeGaT Center for Human Genetics Tuebingen
Classification: Likely benign. Last evaluated: 2016-07-31. Review status: criteria provided, single submitter. Criteria: Praxis fuer Humangenetik Tuebingen - Variant Classification Criteria. Collection method: clinical testing. Allele origin: germline. Affected: yes. Observed: 1 variant allele.

Literature cited by the submitters: PubMed 23518715 (cited by Women's Health and Genetics/Laboratory Corporation of America, LabCorp).

NM_000053.4(ATP7B):c.1543+13C>T

Gene: ATP7B (ATPase copper transporting beta; minus strand). Cytogenetic location: 13q14.3.
Variant type: single nucleotide variant.
Coding change: c.1543+13C>T on transcript NM_000053.4 (MANE Select); 13 bases into the intron after coding-DNA position 1543, C replaced by T.
Molecular consequence: intron variant.
Genome position (GRCh38, 1-based): chr13:51,970,479, G>A on the plus strand (C>T on the coding strand, the complement: ATP7B is on the minus strand). VCF-style: chr13-51970479-G-A. GRCh37 (hg19) VCF-style: chr13-52544615-G-A.
Other names: c.1210+13C>T (NM_001243182.2); c.1543+13C>T (NM_001005918.3, NM_001330579.2, NM_001330578.2).
Identifiers: ClinVar variation 312390 (VCV000312390.17), dbSNP rs200171850, ClinGen allele CA6989328.
Genomic context (GRCh38, chr13:51,970,479, plus strand): 5'-TGGGTATTCTGAAGGGAGAATACGAGGTCTATACGCAGCATTCCTAAGTTCAACATGGGC[G>A]TTCATCTCTTACCAGCTTCTTTCTGCAGATTCCTTTCTATGTTAGACACACAGGATGCAC-3'